The following is an entry in ClinVar:

NM_054012.4(ASS1):c.1022C>T (p.Ser341Phe)

Gene: ASS1 (argininosuccinate synthase 1; plus strand). Cytogenetic location: 9q34.11.
Variant type: single nucleotide variant.
Coding change: c.1022C>T on transcript NM_054012.4 (MANE Select); coding-DNA position 1022, C replaced by T.
Protein change: p.Ser341Phe; replaces serine 341 with phenylalanine.
Molecular consequence: missense variant.
Genome position (GRCh38, 1-based): chr9:130,494,918, C>T. VCF-style: chr9-130494918-C-T. GRCh37 (hg19) VCF-style: chr9-133370305-C-T.
Other names: c.1022C>T, p.Ser341Phe (NM_000050.4); short protein forms S341F.
Identifiers: ClinVar variation 2691577 (VCV002691577.2), dbSNP rs2490621817, ClinGen allele CA375231892.

ClinVar aggregate classification (germline): Uncertain significance (1 of 4 stars; one submission).

Submission:

Women's Health and Genetics/Laboratory Corporation of America, LabCorp
Classification: Uncertain significance. Last evaluated: 2023-12-11. Review status: criteria provided, single submitter. Criteria: LabCorp Variant Classification Summary - May 2015. Collection method: clinical testing. Allele origin: germline.
Comment: Variant summary: ASS1 c.1022C>T (p.Ser341Phe) results in a non-conservative amino acid change located in the Arginosuccinate synthase C-terminal domain (IPR048268) of the encoded protein sequence. Five of five in-silico tools predict a damaging effect of the variant on protein function. The variant was absent in 251250 control chromosomes (gnomAD). c.1022C>T has been reported in the literature in individuals affected with Citrullinemia Type I (example: Engel_2009, Messina_2018, Moarefian_2022). These data indicate that the variant may be associated with disease. To our knowledge, no experimental evidence demonstrating an impact on protein function has been reported. The following publications have been ascertained in the context of this evaluation (PMID: 19006241, 33072938, 35433176). No submitters have cited clinical-significance assessments for this variant to ClinVar after 2014. Based on the evidence outlined above, the variant was classified as VUS-possibly pathogenic.

Literature cited by the submitters: PubMed 19006241; PubMed 33072938; PubMed 35433176.